The following is an entry in ClinVar:

ClinVar aggregate classification (germline): Uncertain significance (1 of 4 stars; one submission).

Conditions:
Familial adenomatous polyposis 1 (FAP1). Also called: POLYPOSIS, ADENOMATOUS INTESTINAL; FAMILIAL ADENOMATOUS POLYPOSIS 1, ATTENUATED. Identifiers: MedGen C2713442, MONDO:0021056, OMIM 175100. Disease mechanism: loss of function.

Submission:

Labcorp Genetics (formerly Invitae), Labcorp
Classification: Uncertain significance for Familial adenomatous polyposis 1. Last evaluated: 2024-10-07. Review status: criteria provided, single submitter. Criteria: Invitae Variant Classification Sherloc (09022015). Collection method: clinical testing. Allele origin: germline.
Comment: This variant occurs in a non-coding region of the APC gene. It does not change the encoded amino acid sequence of the APC protein. This variant is not present in population databases (gnomAD no frequency). This variant has not been reported in the literature in individuals affected with APC-related conditions. Experimental studies and prediction algorithms are not available or were not evaluated, and the functional significance of this variant is currently unknown. In summary, the available evidence is currently insufficient to determine the role of this variant in disease. Therefore, it has been classified as a Variant of Uncertain Significance.

NC_000005.10:g.112707447C>G

Gene: APC (APC regulator of Wnt signaling pathway; plus strand). Cytogenetic location: 5q22.2.
Variant type: single nucleotide variant.
Genome position: GRCh38 VCF-style: chr5-112707447-C-G. GRCh37 (hg19) VCF-style: chr5-112043144-C-G.
Identifiers: ClinVar variation 1023542 (VCV001023542.10), dbSNP rs1750562869, ClinGen allele CA1573442310.